The following is an entry in ClinVar:

ClinVar aggregate classification (germline): Uncertain significance. Review status: criteria provided, multiple submitters, no conflicts (2 of 4 stars). 3 submissions from 3 submitters: Uncertain significance (3). Last evaluated 2025-11-07.

Conditions:
Inborn genetic diseases. Identifiers: MedGen C0950123, MeSH D030342.

Allele frequency attached by ClinVar (database versions not stated): gnomAD 0.00001; gnomAD exomes 0.00001; TOPMed 0.00001; ExAC 0.00002.
gnomAD v4.1: 19 of 1,613,826 alleles (0.0012%); highest among the groups gnomAD compares: Middle Eastern, 0.066%; no homozygotes.

Submissions (3):

Athena Diagnostics
Classification: Uncertain significance. Last evaluated: 2025-11-07. Review status: criteria provided, single submitter. Criteria: Athena Diagnostics Criteria. Collection method: clinical testing. Allele origin: unknown.

Ambry Genetics
Classification: Uncertain significance for Inborn genetic diseases. Last evaluated: 2025-10-02. Review status: criteria provided, single submitter. Criteria: Ambry Variant Classification Scheme 2023. Collection method: clinical testing. Allele origin: germline.

Labcorp Genetics (formerly Invitae), Labcorp
Classification: Uncertain significance. Last evaluated: 2022-11-01. Review status: criteria provided, single submitter. Criteria: Invitae Variant Classification Sherloc (09022015). Collection method: clinical testing. Allele origin: germline.
Comment: This sequence change replaces serine, which is neutral and polar, with leucine, which is neutral and non-polar, at codon 486 of the FLVCR1 protein (p.Ser486Leu). This variant is present in population databases (rs756375276, gnomAD 0.003%). This variant has not been reported in the literature in individuals affected with FLVCR1-related conditions. ClinVar contains an entry for this variant (Variation ID: 1005772). Advanced modeling of protein sequence and biophysical properties (such as structural, functional, and spatial information, amino acid conservation, physicochemical variation, residue mobility, and thermodynamic stability) performed at Invitae indicates that this missense variant is not expected to disrupt FLVCR1 protein function. Algorithms developed to predict the effect of sequence changes on RNA splicing suggest that this variant may disrupt the consensus splice site. In summary, the available evidence is currently insufficient to determine the role of this variant in disease. Therefore, it has been classified as a Variant of Uncertain Significance.

NM_014053.4(FLVCR1):c.1457C>T (p.Ser486Leu)

Gene: FLVCR1 (FLVCR choline and heme transporter 1; plus strand). Cytogenetic location: 1q32.3.
Variant type: single nucleotide variant.
Coding change: c.1457C>T on transcript NM_014053.4 (MANE Select); coding-DNA position 1457, C replaced by T.
Protein change: p.Ser486Leu; replaces serine 486 with leucine.
Molecular consequence: missense variant.
Genome position (GRCh38, 1-based): chr1:212,889,189, C>T. VCF-style: chr1-212889189-C-T. GRCh37 (hg19) VCF-style: chr1-213062531-C-T.
Other names: c.1457C>T (NM_014053.3, NM_014053.2); short protein forms S486L.
Identifiers: ClinVar variation 1005772 (VCV001005772.5), dbSNP rs756375276, ClinGen allele CA1386153.